The following is an entry in ClinVar:

NM_015465.5(GEMIN5):c.3085T>C (p.Trp1029Arg)

Gene: GEMIN5 (gem nuclear organelle associated protein 5; minus strand). Cytogenetic location: 5q33.2.
Variant type: single nucleotide variant.
Coding change: c.3085T>C on transcript NM_015465.5 (MANE Select); coding-DNA position 3085, T replaced by C.
Protein change: p.Trp1029Arg; replaces tryptophan 1029 with arginine.
Molecular consequence: missense variant.
Genome position (GRCh38, 1-based): chr5:154,899,240, A>G on the plus strand (T>C on the coding strand, the complement: GEMIN5 is on the minus strand). VCF-style: chr5-154899240-A-G. GRCh37 (hg19) VCF-style: chr5-154278800-A-G.
Other names: c.3082T>C, p.Trp1028Arg (NM_001252156.2); short protein forms W1028R, W1029R.
Identifiers: ClinVar variation 4531979 (VCV004531979.1).

ClinVar aggregate classification (germline): Likely pathogenic (1 of 4 stars; one submission).

Conditions:
Neurodevelopmental disorder with cerebellar atrophy and motor dysfunction. Identifiers: MedGen C5543427, MONDO:0859152, OMIM 619333.

Submission:

Victorian Clinical Genetics Services, Murdoch Childrens Research Institute
Classification: Likely pathogenic for Neurodevelopmental disorder with cerebellar atrophy and motor dysfunction. Last evaluated: 2025-03-19. Review status: criteria provided, single submitter. Criteria: ACMG Guidelines, 2015. Collection method: clinical testing. Allele origin: germline. Affected: yes.
Comment: This variant is classified as Likely pathogenic. Evidence in support of pathogenic classification: Variant is absent from gnomAD (v2, v3 and v4); Missense variant predicted to be damaging by in silico tool(s) or highly conserved with a major amino acid change; Heterozygous variant detected in trans with a second likely PATHOGENIC heterozygous variant (NM_015465.5(GEMIN5):c.4100T>C; p.(Leu1367Pro)) in a recessive disease. Additional information: Variant is predicted to result in a missense amino acid change from tryptophan to arginine; This variant is heterozygous; This gene is associated with autosomal recessive disease; Alternative amino acid change(s) at the same position are present in gnomAD (Highest allele count: v4: 15 heterozygote(s), 0 homozygote(s)); This variant has no previous evidence of pathogenicity; No published segregation evidence has been identified for this variant; No published functional evidence has been identified for this variant; No comparable missense variants have previous evidence for pathogenicity; Variant is located in the annotated GEMI5 TPR domain (DECIPHER); Loss of function is a known mechanism of disease in this gene and is associated with neurodevelopmental disorder with cerebellar atrophy and motor dysfunction (MIM#619333).